The following is an entry in ClinVar:

NM_020754.4(ARHGAP31):c.3894C>T (p.Leu1298=)

Gene: ARHGAP31 (Rho GTPase activating protein 31; plus strand). Cytogenetic location: 3q13.33.
Variant type: single nucleotide variant.
Coding change: c.3894C>T on transcript NM_020754.4 (MANE Select); coding-DNA position 3894, C replaced by T.
Protein change: p.Leu1298=; no amino-acid change (leucine 1298 retained).
Molecular consequence: synonymous variant.
Genome position (GRCh38, 1-based): chr3:119,415,823, C>T. VCF-style: chr3-119415823-C-T. GRCh37 (hg19) VCF-style: chr3-119134670-C-T.
Identifiers: ClinVar variation 3042852 (VCV003042852.2), dbSNP rs751971417, ClinGen allele CA2554274.
Genomic context (GRCh38, chr3:119,415,823, plus strand): 5'-TGCACCCTGCATGTGCGAGGGACCTACCCTTTCTCCAGAACCAGGCTCGTCTAACCTGCT[C>T]TCCACCCAGGATGCAGTAGTGCAATGCAGAAAGCGCATGTCAGAGACAGAGCCATCTGGG-3'
Protein context (NP_065805.2, residues 1288-1308): LSPEPGSSNL[Leu1298=]STQDAVVQCR

ClinVar aggregate classification (germline): Likely benign (0 of 4 stars; one submission).

Conditions:
ARHGAP31-related disorder. Also called: ARHGAP31-related condition.

Allele frequency attached by ClinVar (database versions not stated): ExAC 0.00001.
gnomAD v4.1: 9 of 1,614,144 alleles (0.00056%); highest among the groups gnomAD compares: African/African-American, 0.004%; no homozygotes.

Submission:

PreventionGenetics, part of Exact Sciences
Classification: Likely benign for ARHGAP31-related condition. Last evaluated: 2022-01-31. Review status: no assertion criteria provided. Collection method: clinical testing. Allele origin: germline.
Comment: This variant is classified as likely benign based on ACMG/AMP sequence variant interpretation guidelines (Richards et al. 2015 PMID: 25741868, with internal and published modifications).